The following is an entry in ClinVar:

NM_015662.3(IFT172):c.4034T>C (p.Ile1345Thr)

Gene: IFT172 (intraflagellar transport 172; minus strand). Cytogenetic location: 2p23.3.
Variant type: single nucleotide variant.
Coding change: c.4034T>C on transcript NM_015662.3 (MANE Select); coding-DNA position 4034, T replaced by C.
Protein change: p.Ile1345Thr; replaces isoleucine 1345 with threonine.
Molecular consequence: missense variant.
Genome position (GRCh38, 1-based): chr2:27,450,014, A>G on the plus strand (T>C on the coding strand, the complement: IFT172 is on the minus strand). VCF-style: chr2-27450014-A-G. GRCh37 (hg19) VCF-style: chr2-27672881-A-G.
Other names: short protein forms I1345T.
Identifiers: ClinVar variation 847728 (VCV000847728.10), dbSNP rs766061673, ClinGen allele CA1579757.

ClinVar aggregate classification (germline): Uncertain significance. Review status: criteria provided, multiple submitters, no conflicts (2 of 4 stars). 3 submissions from 3 submitters: Uncertain significance (3). Last evaluated 2025-09-12.

Conditions:
IFT172-related disorder. Also called: IFT172-related condition; IFT172-related disorders.
Retinitis pigmentosa 71 (RP71). Identifiers: Orphanet 791, MedGen C4225342, MONDO:0014618, OMIM 616394.
Bardet-Biedl syndrome 20. Identifiers: MedGen C4310707, MONDO:0023670, OMIM 619471, MONDO:0014926.
Short-rib thoracic dysplasia 10 with or without polydactyly (SRTD10). Identifiers: Orphanet 474, MedGen C3810175, MONDO:0014284, OMIM 615630.

Allele frequency attached by ClinVar (database versions not stated): gnomAD exomes below 0.00001; TOPMed below 0.00001; ExAC 0.00001; gnomAD 0.00001.
gnomAD v4.1: 3 of 1,613,644 alleles (0.00019%); highest among the groups gnomAD compares: Admixed American, 0.0017%; no homozygotes.

Submissions (3):

PreventionGenetics, part of Exact Sciences
Classification: Uncertain significance for IFT172-related condition. Last evaluated: 2025-09-12. Review status: criteria provided, single submitter. Criteria: ACMG Guidelines, 2015. Collection method: clinical testing. Allele origin: germline.
Comment: The IFT172 c.4034T>C variant is predicted to result in the amino acid substitution p.Ile1345Thr. To our knowledge, this variant has not been reported in the literature. This variant is reported in 0.0040% of alleles in individuals of African descent in gnomAD. At this time, the clinical significance of this variant is uncertain due to the absence of conclusive functional and genetic evidence.

Labcorp Genetics (formerly Invitae), Labcorp
Classification: Uncertain significance for Retinitis pigmentosa 71; Short-rib thoracic dysplasia 10 with or without polydactyly. Last evaluated: 2024-03-02. Review status: criteria provided, single submitter. Criteria: Invitae Variant Classification Sherloc (09022015). Collection method: clinical testing. Allele origin: germline.
Comment: This sequence change replaces isoleucine, which is neutral and non-polar, with threonine, which is neutral and polar, at codon 1345 of the IFT172 protein (p.Ile1345Thr). This variant is present in population databases (rs766061673, gnomAD 0.004%). This variant has not been reported in the literature in individuals affected with IFT172-related conditions. ClinVar contains an entry for this variant (Variation ID: 847728). Algorithms developed to predict the effect of missense changes on protein structure and function output the following: SIFT: "Not Available"; PolyPhen-2: "Benign"; Align-GVGD: "Not Available". The threonine amino acid residue is found in multiple mammalian species, which suggests that this missense change does not adversely affect protein function. In summary, the available evidence is currently insufficient to determine the role of this variant in disease. Therefore, it has been classified as a Variant of Uncertain Significance.

Fulgent Genetics
Classification: Uncertain significance for Short-rib thoracic dysplasia 10 with or without polydactyly; Retinitis pigmentosa 71; Bardet-Biedl syndrome 20. Last evaluated: 2021-12-06. Review status: criteria provided, single submitter. Criteria: ACMG Guidelines, 2015. Collection method: clinical testing. Allele origin: unknown.